The following is an entry in ClinVar:

NM_001378457.1(DMXL2):c.8521A>C (p.Asn2841His)

Gene: DMXL2 (Dmx like 2; minus strand). Cytogenetic location: 15q21.2.
Variant type: single nucleotide variant.
Coding change: c.8521A>C on transcript NM_001378457.1 (MANE Select); coding-DNA position 8521, A replaced by C.
Protein change: p.Asn2841His; replaces asparagine 2841 with histidine.
Molecular consequence: missense variant. On other transcripts: non-coding transcript variant (2).
Genome position (GRCh38, 1-based): chr15:51,456,071, T>G on the plus strand (A>C on the coding strand, the complement: DMXL2 is on the minus strand). VCF-style: chr15-51456071-T-G. GRCh37 (hg19) VCF-style: chr15-51748268-T-G.
Other names: c.8458A>C (NM_001174116.1); c.8458A>C, p.Asn2820His (NM_001174116.3); c.6547A>C, p.Asn2183His (NM_001174117.3); c.8518A>C, p.Asn2840His (NM_001378458.1); c.8233A>C, p.Asn2745His (NM_001378459.1); c.6436A>C, p.Asn2146His (NM_001378460.1); c.8455A>C, p.Asn2819His (NM_015263.5); short protein forms N2183H, N2745H, N2841H, N2820H, N2146H, N2819H, N2840H.
Identifiers: ClinVar variation 1954333 (VCV001954333.4), dbSNP rs755676415, ClinGen allele CA7561008.

ClinVar aggregate classification (germline): Uncertain significance. Review status: criteria provided, multiple submitters, no conflicts (2 of 4 stars). 2 submissions from 2 submitters: Uncertain significance (2). Last evaluated 2025-11-10.

Conditions:
Inborn genetic diseases. Identifiers: MedGen C0950123, MeSH D030342.

Allele frequency attached by ClinVar (database versions not stated): ExAC 0.00001; gnomAD 0.00001; gnomAD exomes 0.00002; TOPMed 0.00002.
gnomAD v4.1: 27 of 1,614,032 alleles (0.0017%); highest among the groups gnomAD compares: African/African-American, 0.0027%; no homozygotes.

Submissions (2):

Ambry Genetics
Classification: Uncertain significance for Inborn genetic diseases. Last evaluated: 2025-11-10. Review status: criteria provided, single submitter. Criteria: Ambry Variant Classification Scheme 2023. Collection method: clinical testing. Allele origin: germline.

Labcorp Genetics (formerly Invitae), Labcorp
Classification: Uncertain significance. Last evaluated: 2022-06-22. Review status: criteria provided, single submitter. Criteria: Invitae Variant Classification Sherloc (09022015). Collection method: clinical testing. Allele origin: germline.
Comment: In summary, the available evidence is currently insufficient to determine the role of this variant in disease. Therefore, it has been classified as a Variant of Uncertain Significance. Algorithms developed to predict the effect of missense changes on protein structure and function are either unavailable or do not agree on the potential impact of this missense change (SIFT: "Deleterious"; PolyPhen-2: "Probably Damaging"; Align-GVGD: "Class C0"). This variant has not been reported in the literature in individuals affected with DMXL2-related conditions. This variant is present in population databases (rs755676415, gnomAD 0.004%). This sequence change replaces asparagine, which is neutral and polar, with histidine, which is basic and polar, at codon 2820 of the DMXL2 protein (p.Asn2820His).